The following is an entry in ClinVar:

NM_052947.4(ALPK2):c.5492T>G (p.Val1831Gly)

Gene: ALPK2 (alpha kinase 2; minus strand). Cytogenetic location: 18q21.31.
Variant type: single nucleotide variant.
Coding change: c.5492T>G on transcript NM_052947.4 (MANE Select); coding-DNA position 5492, T replaced by G.
Protein change: p.Val1831Gly; replaces valine 1831 with glycine.
Molecular consequence: missense variant.
Genome position (GRCh38, 1-based): chr18:58,529,100, A>C on the plus strand (T>G on the coding strand, the complement: ALPK2 is on the minus strand). VCF-style: chr18-58529100-A-C. GRCh37 (hg19) VCF-style: chr18-56196332-A-C.
Other names: short protein forms V1831G.
Identifiers: ClinVar variation 2564108 (VCV002564108.2), dbSNP rs1382293737, ClinGen allele CA402553536.

ClinVar aggregate classification (germline): Uncertain significance (1 of 4 stars; one submission).

Allele frequency attached by ClinVar (database versions not stated): gnomAD exomes below 0.00001; TOPMed 0.00002.
gnomAD v4.1: 1 of 1,614,144 alleles (0.000062%); highest among the groups gnomAD compares: Non-Finnish European, 0.000085%; no homozygotes.

Submission:

Ambry Genetics
Classification: Uncertain significance. Last evaluated: 2023-06-05. Review status: criteria provided, single submitter. Criteria: Ambry Variant Classification Scheme 2023. Collection method: clinical testing. Allele origin: germline.
Comment: The p.V1831G variant (also known as c.5492T>G), located in coding exon 5 of the ALPK2 gene, results from a T to G substitution at nucleotide position 5492. The valine at codon 1831 is replaced by glycine, an amino acid with dissimilar properties. This amino acid position is conserved. In addition, this alteration is predicted to be tolerated by in silico analysis. Since supporting evidence is limited at this time, the clinical significance of this alteration remains unclear.